The following is an entry in ClinVar:

ClinVar aggregate classification (germline): Uncertain significance (1 of 4 stars; one submission).

Allele frequency attached by ClinVar (database versions not stated): TOPMed 0.00001.

Submission:

Labcorp Genetics (formerly Invitae), Labcorp
Classification: Uncertain significance. Last evaluated: 2022-05-25. Review status: criteria provided, single submitter. Criteria: Invitae Variant Classification Sherloc (09022015). Collection method: clinical testing. Allele origin: germline.
Comment: This sequence change replaces phenylalanine, which is neutral and non-polar, with leucine, which is neutral and non-polar, at codon 66 of the CLRN1 protein (p.Phe66Leu). This variant is not present in population databases (gnomAD no frequency). This variant has not been reported in the literature in individuals affected with CLRN1-related conditions. Algorithms developed to predict the effect of missense changes on protein structure and function are either unavailable or do not agree on the potential impact of this missense change (SIFT: "Deleterious"; PolyPhen-2: "Benign"; Align-GVGD: "Class C0"). In summary, the available evidence is currently insufficient to determine the role of this variant in disease. Therefore, it has been classified as a Variant of Uncertain Significance.

NM_174878.3(CLRN1):c.196T>C (p.Phe66Leu)

Gene: CLRN1 (clarin 1; minus strand). Cytogenetic location: 3q25.1.
Variant type: single nucleotide variant.
Coding change: c.196T>C on transcript NM_174878.3 (MANE Select); coding-DNA position 196, T replaced by C.
Protein change: p.Phe66Leu; replaces phenylalanine 66 with leucine.
Molecular consequence: missense variant. On other transcripts: non-coding transcript variant (1).
Genome position (GRCh38, 1-based): chr3:150,972,513, A>G on the plus strand (T>C on the coding strand, the complement: CLRN1 is on the minus strand). VCF-style: chr3-150972513-A-G. GRCh37 (hg19) VCF-style: chr3-150690300-A-G.
Other names: c.196T>C, p.Phe66Leu (NM_001195794.1, NM_001256819.2); short protein forms F66L.
Identifiers: ClinVar variation 2155836 (VCV002155836.1), dbSNP rs1205330837, ClinGen allele CA355011852.